The following is an entry in ClinVar:

ClinVar aggregate classification (germline): Pathogenic/Likely pathogenic. Review status: criteria provided, multiple submitters, no conflicts (2 of 4 stars). 8 submissions from 8 submitters: Pathogenic (6); Likely pathogenic (1). 1 of the submissions does not count toward it. Last evaluated 2025-01-17.

Conditions:
Galactosemia. Also called: Galactose intolerance. Identifiers: Orphanet 352, MedGen C0016952, MONDO:0018116, HP:0004919. Disease mechanism: loss of function.
Deficiency of UDPglucose-hexose-1-phosphate uridylyltransferase. Also called: GALACTOSE-1-PHOSPHATE URIDYLYLTRANSFERASE DEFICIENCY; GALT deficiency; Galactosemia, classic; Transferase Deficiency Galactosemia; GALACTOSEMIA I. Identifiers: Orphanet 352, Orphanet 79239, MedGen C0268151, MONDO:0009258, OMIM 230400.

Allele frequency attached by ClinVar (database versions not stated): TOPMed 0.00001.

Submissions (8):

Natera, Inc.
Classification: Pathogenic for Galactosemia. Last evaluated: 2025-01-17. Review status: criteria provided, single submitter. Criteria: Natera Variant Classification Schema (03/2026). Collection method: clinical testing. Allele origin: germline.
Comment: The c.820+13A>G variant in GALT is an intronic variant located outside the canonical splice sites. This variant is rare in the general population with a frequency below the threshold expected for the associated phenotype(s). This variant has been observed in one or more individuals affected with the associated recessive disease, as either homozygous or compound heterozygous with a second variant (PMID: 23749220). Additionally, this variant has been observed to segregate in affected family members (PMID: 23749220). Computational prediction algorithms indicate this variant is likely to affect gene or protein function. Given the available evidence, this variant is classified as Pathogenic.

Labcorp Genetics (formerly Invitae), Labcorp
Classification: Pathogenic for Deficiency of UDPglucose-hexose-1-phosphate uridylyltransferase. Last evaluated: 2024-02-16. Review status: criteria provided, single submitter. Criteria: Invitae Variant Classification Sherloc (09022015). Collection method: clinical testing. Allele origin: germline.
Comment: This sequence change falls in intron 8 of the GALT gene. It does not directly change the encoded amino acid sequence of the GALT protein. This variant is not present in population databases (gnomAD no frequency). This variant has been observed in individuals with galactosemia (PMID: 23749220, 25052314). ClinVar contains an entry for this variant (Variation ID: 25269). Algorithms developed to predict the effect of sequence changes on RNA splicing suggest that this variant may disrupt the consensus splice site. For these reasons, this variant has been classified as Pathogenic.

Baylor Genetics
Classification: Pathogenic for Deficiency of UDPglucose-hexose-1-phosphate uridylyltransferase. Last evaluated: 2024-02-15. Review status: criteria provided, single submitter. Criteria: ACMG Guidelines, 2015. Collection method: clinical testing. Allele origin: unknown.

Fulgent Genetics
Classification: Pathogenic for Deficiency of UDPglucose-hexose-1-phosphate uridylyltransferase. Last evaluated: 2024-01-19. Review status: criteria provided, single submitter. Criteria: ACMG Guidelines, 2015. Collection method: clinical testing. Allele origin: germline.

Women's Health and Genetics/Laboratory Corporation of America, LabCorp
Classification: Pathogenic for Deficiency of UDPglucose-hexose-1-phosphate uridylyltransferase. Last evaluated: 2022-10-12. Review status: criteria provided, single submitter. Criteria: LabCorp Variant Classification Summary - May 2015. Collection method: clinical testing. Allele origin: germline.
Comment: Variant summary: GALT c.820+13A>G alters a non-conserved nucleotide located close to a canonical splice site and therefore could affect mRNA splicing, leading to a significantly altered protein sequence. Several computational tools predict a significant impact on normal splicing: Three predict the variant strengthens a cryptic intronic 5' splicing donor site. One predicts the variant creates a cryptic intronic 5' splicing donor site. However, these predictions have yet to be confirmed by functional studies. The variant was absent in 251064 control chromosomes. c.820+13A>G has been reported in the literature as compound heterozygous and homozygous genotype in multiple individuals affected with and in a carrier of classic Galactosemia (example, Gort_2006, Coelho_2014, Papachristoforou_2019, Crespo_2020). These data indicate that the variant is very likely to be associated with disease. At least one publication reports experimental evidence evaluating an impact on protein function (Coelho_2014, Crespo_2014). The most pronounced variant effect results in 0% of normal activity in a homozygous individual. Five clinical diagnostic laboratories have submitted clinical-significance assessments for this variant to ClinVar after 2014 without evidence for independent evaluation. All laboratories classified the variant as pathogenic/likely pathogenic. Based on the evidence outlined above, the variant was classified as pathogenic.

Mendelics
Classification: Likely pathogenic for Deficiency of UDPglucose-hexose-1-phosphate uridylyltransferase. Last evaluated: 2019-05-28. Review status: criteria provided, single submitter. Criteria: Mendelics Assertion Criteria 2017. Collection method: clinical testing. Allele origin: unknown.

Eurofins Ntd Llc (ga)
Classification: Pathogenic. Last evaluated: 2017-07-03. Review status: criteria provided, single submitter. Criteria: EGL Classification Definitions 2015. Collection method: clinical testing. Allele origin: germline. Observed: 1 variant allele, 1 heterozygote.

Counsyl
Classification: Likely pathogenic for Deficiency of UDPglucose-hexose-1-phosphate uridylyltransferase. Last evaluated: 2016-04-07. Review status: no assertion criteria provided. Collection method: clinical testing. Allele origin: unknown. Not counted in ClinVar's aggregate classification.

Literature cited by the submitters: PubMed 23749220 (cited by 5 submitters); PubMed 25052314 (cited by 3 submitters); PubMed 15633893 (cited by Women's Health and Genetics/Laboratory Corporation of America, LabCorp); PubMed 17041746 (cited by Women's Health and Genetics/Laboratory Corporation of America, LabCorp); PubMed 10384398 (cited by Women's Health and Genetics/Laboratory Corporation of America, LabCorp); PubMed 33335841 (cited by Women's Health and Genetics/Laboratory Corporation of America, LabCorp); PubMed 30994193 (cited by Women's Health and Genetics/Laboratory Corporation of America, LabCorp).

NM_000155.4(GALT):c.820+13A>G

Gene: GALT (galactose-1-phosphate uridylyltransferase; plus strand). Cytogenetic location: 9p13.3.
Variant type: single nucleotide variant.
Coding change: c.820+13A>G on transcript NM_000155.4 (MANE Select); 13 bases into the intron after coding-DNA position 820, A replaced by G.
Molecular consequence: intron variant.
Genome position (GRCh38, 1-based): chr9:34,648,907, A>G. VCF-style: chr9-34648907-A-G. GRCh37 (hg19) VCF-style: chr9-34648904-A-G.
Other names: c.493+13A>G (NM_001258332.2).
Identifiers: ClinVar variation 25269 (VCV000025269.22), dbSNP rs111033768, ClinGen allele CA259509.